The following is an entry in ClinVar:

NM_006031.6(PCNT):c.8977A>G (p.Thr2993Ala)

Gene: PCNT (pericentrin; plus strand). Cytogenetic location: 21q22.3.
Variant type: single nucleotide variant.
Coding change: c.8977A>G on transcript NM_006031.6 (MANE Select); coding-DNA position 8977, A replaced by G.
Protein change: p.Thr2993Ala; replaces threonine 2993 with alanine.
Molecular consequence: missense variant.
Genome position (GRCh38, 1-based): chr21:46,436,129, A>G. VCF-style: chr21-46436129-A-G. GRCh37 (hg19) VCF-style: chr21-47856042-A-G.
Other names: c.8386A>G, p.Thr2796Ala (NM_001315529.2); short protein forms T2993A, T2796A.
Identifiers: ClinVar variation 436230 (VCV000436230.11), dbSNP rs375035745, ClinGen allele CA10081141.

ClinVar aggregate classification (germline): Likely benign. Review status: criteria provided, multiple submitters, no conflicts (2 of 4 stars). 3 submissions from 3 submitters: Likely benign (2). 1 of the submissions does not count toward it. Last evaluated 2025-11-11.

Conditions:
PCNT-related disorder. Also called: PCNT-related condition.

Allele frequency attached by ClinVar (database versions not stated): gnomAD 0.00005; gnomAD exomes 0.00007 and 0.00012; ESP Exome Variant Server 0.00008; TOPMed 0.00009.
gnomAD v4.1: 122 of 1,608,218 alleles (0.0076%); highest among the groups gnomAD compares: Middle Eastern, 0.017%; no homozygotes.

Submissions (3):

Labcorp Genetics (formerly Invitae), Labcorp
Classification: Likely benign. Last evaluated: 2025-11-11. Review status: criteria provided, single submitter. Criteria: Invitae Variant Classification Sherloc (09022015). Collection method: clinical testing. Allele origin: germline.

Genetic Services Laboratory, University of Chicago
Classification: Likely benign. Last evaluated: 2016-03-17. Review status: criteria provided, single submitter. Criteria: ACMG Guidelines, 2015. Collection method: clinical testing. Allele origin: germline. Affected: no.

PreventionGenetics, part of Exact Sciences
Classification: Likely benign for PCNT-related condition. Last evaluated: 2023-01-20. Review status: no assertion criteria provided. Collection method: clinical testing. Allele origin: germline. Not counted in ClinVar's aggregate classification.
Comment: This variant is classified as likely benign based on ACMG/AMP sequence variant interpretation guidelines (Richards et al. 2015 PMID: 25741868, with internal and published modifications).